The following is an entry in ClinVar:

ClinVar aggregate classification (germline): Uncertain significance (1 of 4 stars; one submission).

Conditions:
Dystonic disorder. Also called: Dystonia. Identifiers: MedGen C0013421, MONDO:0003441, HP:0001332.

gnomAD v4.1: 1 of 1,612,302 alleles (0.000062%); highest among the groups gnomAD compares: Non-Finnish European, 0.000085%; no homozygotes.

Submission:

Labcorp Genetics (formerly Invitae), Labcorp
Classification: Uncertain significance for Dystonic disorder. Last evaluated: 2025-12-21. Review status: criteria provided, single submitter. Criteria: Invitae Variant Classification Sherloc (09022015). Collection method: clinical testing. Allele origin: germline.
Comment: This sequence change affects a donor splice site in intron 12 of the CIZ1 gene. It is expected to disrupt RNA splicing. Variants that disrupt the donor or acceptor splice site typically lead to a loss of protein function (PMID: 16199547), however the current clinical and genetic evidence is not sufficient to establish whether loss-of-function variants in CIZ1 cause disease. This variant is not present in population databases (gnomAD no frequency). This variant has not been reported in the literature in individuals affected with CIZ1-related conditions. Algorithms developed to predict the effect of sequence changes on RNA splicing suggest that this variant may disrupt the consensus splice site. In summary, the available evidence is currently insufficient to determine the role of this variant in disease. Therefore, it has been classified as a Variant of Uncertain Significance.

Literature cited by the submitters: PubMed 16199547.

NM_001131016.2(CIZ1):c.2031+1G>C

Gene: CIZ1 (CDKN1A interacting zinc finger protein 1; minus strand). Cytogenetic location: 9q34.11.
Variant type: single nucleotide variant.
Coding change: c.2031+1G>C on transcript NM_001131016.2 (MANE Select); the canonical splice donor site of the intron after coding-DNA position 2031, G replaced by C.
Molecular consequence: splice donor variant.
Genome position (GRCh38, 1-based): chr9:128,170,019, C>G on the plus strand (G>C on the coding strand, the complement: CIZ1 is on the minus strand). VCF-style: chr9-128170019-C-G. GRCh37 (hg19) VCF-style: chr9-130932298-C-G.
Other names: c.1863+1G>C (NM_001131015.2); c.2031+1G>C (NM_012127.3); c.2121+1G>C (NM_001257975.2); c.1728+1G>C (NM_001257976.2); c.1791+1G>C (NM_001131018.2); c.1848+1G>C (NM_001131017.2).
Identifiers: ClinVar variation 4744684 (VCV004744684.1).